The following is an entry in ClinVar:

NM_001330260.2(SCN8A):c.4621G>A (p.Val1541Met)

Gene: SCN8A (sodium voltage-gated channel alpha subunit 8; plus strand). Cytogenetic location: 12q13.13.
Variant type: single nucleotide variant.
Coding change: c.4621G>A on transcript NM_001330260.2 (MANE Select); coding-DNA position 4621, G replaced by A.
Protein change: p.Val1541Met; replaces valine 1541 with methionine.
Molecular consequence: missense variant.
Genome position (GRCh38, 1-based): chr12:51,794,467, G>A. VCF-style: chr12-51794467-G-A. GRCh37 (hg19) VCF-style: chr12-52188251-G-A.
Other names: c.4498G>A, p.Val1500Met (NM_001177984.3, NM_001369788.1); c.4621G>A, p.Val1541Met (NM_014191.4); short protein forms V1541M, V1500M.
Identifiers: ClinVar variation 2069541 (VCV002069541.4), dbSNP rs2540315569, ClinGen allele CA384878900.

ClinVar aggregate classification (germline): Uncertain significance (1 of 4 stars; one submission).

Conditions:
Early-infantile DEE. Also called: Ohtahara syndrome; Early infantile epileptic encephalopathy with suppression bursts; Early infantile epileptic encephalopathy. Identifiers: Orphanet 1934, MedGen C0393706, MONDO:0800491.

Submission:

Labcorp Genetics (formerly Invitae), Labcorp
Classification: Uncertain significance for Early-infantile DEE. Last evaluated: 2022-01-01. Review status: criteria provided, single submitter. Criteria: Invitae Variant Classification Sherloc (09022015). Collection method: clinical testing. Allele origin: germline.
Comment: In summary, the available evidence is currently insufficient to determine the role of this variant in disease. Therefore, it has been classified as a Variant of Uncertain Significance. Algorithms developed to predict the effect of missense changes on protein structure and function are either unavailable or do not agree on the potential impact of this missense change (SIFT: "Deleterious"; PolyPhen-2: "Possibly Damaging"; Align-GVGD: "Class C0"). This variant has not been reported in the literature in individuals affected with SCN8A-related conditions. This variant is not present in population databases (gnomAD no frequency). This sequence change replaces valine, which is neutral and non-polar, with methionine, which is neutral and non-polar, at codon 1541 of the SCN8A protein (p.Val1541Met).